The following is an entry in ClinVar:

NM_006885.4(ZFHX3):c.2119G>C (p.Gly707Arg)

Gene: ZFHX3 (zinc finger homeobox 3; minus strand). Cytogenetic location: 16q22.3.
Variant type: single nucleotide variant.
Coding change: c.2119G>C on transcript NM_006885.4 (MANE Select); coding-DNA position 2119, G replaced by C.
Protein change: p.Gly707Arg; replaces glycine 707 with arginine.
Molecular consequence: missense variant. On other transcripts: intron variant (1).
Genome position (GRCh38, 1-based): chr16:72,958,027, C>G on the plus strand (G>C on the coding strand, the complement: ZFHX3 is on the minus strand). VCF-style: chr16-72958027-C-G. GRCh37 (hg19) VCF-style: chr16-72991926-C-G.
Other names: c.2119G>C, p.Gly707Arg (NM_001386735.1); c.-23-7062G>C (NM_001164766.2); short protein forms G707R.
Identifiers: ClinVar variation 5009065 (VCV005009065.1).

ClinVar aggregate classification (germline): Uncertain significance (1 of 4 stars; one submission).

Submission:

GeneDx
Classification: Uncertain significance. Last evaluated: 2026-03-11. Review status: criteria provided, single submitter. Criteria: GeneDx Variant Classification Process June 2021. Collection method: clinical testing. Allele origin: germline.
Comment: Not observed at significant frequency in large population cohorts (gnomAD); In silico analysis supports that this missense variant has a deleterious effect on protein structure/function; Has not been previously published as pathogenic or benign to our knowledge